The following is an entry in ClinVar:

NM_001690.4(ATP6V1A):c.15G>T (p.Lys5Asn)

Gene: ATP6V1A (ATPase H+ transporting V1 subunit A; plus strand). Cytogenetic location: 3q13.31.
Variant type: single nucleotide variant.
Coding change: c.15G>T on transcript NM_001690.4 (MANE Select); coding-DNA position 15, G replaced by T.
Protein change: p.Lys5Asn; replaces lysine 5 with asparagine.
Molecular consequence: missense variant.
Genome position (GRCh38, 1-based): chr3:113,778,768, G>T. VCF-style: chr3-113778768-G-T. GRCh37 (hg19) VCF-style: chr3-113497615-G-T.
Other names: short protein forms K5N.
Identifiers: ClinVar variation 4718356 (VCV004718356.1).

ClinVar aggregate classification (germline): Uncertain significance (1 of 4 stars; one submission).

gnomAD v4.1: 2 of 1,587,732 alleles (0.00013%); highest among the groups gnomAD compares: South Asian, 0.0023%; no homozygotes.

Submission:

Labcorp Genetics (formerly Invitae), Labcorp
Classification: Uncertain significance. Last evaluated: 2025-04-26. Review status: criteria provided, single submitter. Criteria: Invitae Variant Classification Sherloc (09022015). Collection method: clinical testing. Allele origin: germline.
Comment: This sequence change replaces lysine, which is basic and polar, with asparagine, which is neutral and polar, at codon 5 of the ATP6V1A protein (p.Lys5Asn). This variant is not present in population databases (gnomAD no frequency). This variant has not been reported in the literature in individuals affected with ATP6V1A-related conditions. An algorithm developed to predict the effect of missense changes on protein structure and function (PolyPhen-2) suggests that this variant is likely to be tolerated. In summary, the available evidence is currently insufficient to determine the role of this variant in disease. Therefore, it has been classified as a Variant of Uncertain Significance.